The following is an entry in ClinVar:

NM_018896.5(CACNA1G):c.3379G>A (p.Glu1127Lys)

Gene: CACNA1G (calcium voltage-gated channel subunit alpha1 G; plus strand). Cytogenetic location: 17q21.33.
Variant type: single nucleotide variant.
Coding change: c.3379G>A on transcript NM_018896.5 (MANE Select); coding-DNA position 3379, G replaced by A.
Protein change: p.Glu1127Lys; replaces glutamic acid 1127 with lysine.
Molecular consequence: missense variant. On other transcripts: non-coding transcript variant (5).
Genome position (GRCh38, 1-based): chr17:50,599,548, G>A. VCF-style: chr17-50599548-G-A. GRCh37 (hg19) VCF-style: chr17-48676909-G-A.
Other names: c.3379G>A, p.Glu1127Lys (NM_001256324.2, NM_001256325.2, NM_001256326.2 and 16 more transcripts); c.3310G>A, p.Glu1104Lys (NM_001256332.2, NM_198376.3, NM_198379.3 and 5 more transcripts); short protein forms E1104K, E1127K.
Identifiers: ClinVar variation 1802033 (VCV001802033.1), dbSNP rs2545422683, ClinGen allele CA400253069.

ClinVar aggregate classification (germline): Uncertain significance (1 of 4 stars; one submission).

Submission:

GeneDx
Classification: Uncertain significance. Last evaluated: 2022-06-03. Review status: criteria provided, single submitter. Criteria: GeneDx Variant Classification Process June 2021. Collection method: clinical testing. Allele origin: germline. Affected: yes.
Comment: Not observed at significant frequency in large population cohorts (gnomAD); In silico analysis supports that this missense variant has a deleterious effect on protein structure/function; Has not been previously published as pathogenic or benign to our knowledge